The following is an entry in ClinVar:

NM_177438.3(DICER1):c.5639T>G (p.Val1880Gly)

Gene: DICER1 (dicer 1, ribonuclease III; minus strand). Cytogenetic location: 14q32.13.
Variant type: single nucleotide variant.
Coding change: c.5639T>G on transcript NM_177438.3 (MANE Select); coding-DNA position 5639, T replaced by G.
Protein change: p.Val1880Gly; replaces valine 1880 with glycine.
Molecular consequence: missense variant. On other transcripts: non-coding transcript variant (6).
Genome position (GRCh38, 1-based): chr14:95,090,628, A>C on the plus strand (T>G on the coding strand, the complement: DICER1 is on the minus strand). VCF-style: chr14-95090628-A-C. GRCh37 (hg19) VCF-style: chr14-95556965-A-C.
Other names: c.5476T>G, p.Ser1826Ala (NM_001195573.1); c.5639T>G, p.Val1880Gly (NM_001271282.3, NM_001291628.2, NM_001395677.1 and 8 more transcripts); c.5357T>G, p.Val1786Gly (NM_001395686.1); c.5234T>G, p.Val1745Gly (NM_001395687.1, NM_001395688.1, NM_001395689.1 and 1 more transcripts); c.5072T>G, p.Val1691Gly (NM_001395691.1); c.3956T>G, p.Val1319Gly (NM_001395697.1); short protein forms S1826A, V1691G, V1745G, V1786G, V1880G, V1319G.
Identifiers: ClinVar variation 1748786 (VCV001748786.2), dbSNP rs2542391780, ClinGen allele CA390863579.

ClinVar aggregate classification (germline): Uncertain significance (1 of 4 stars; one submission).

Conditions:
Hereditary cancer-predisposing syndrome. Also called: Hereditary Cancer Syndrome; Hereditary neoplastic syndrome; Neoplastic Syndromes, Hereditary; Tumor predisposition. Identifiers: Orphanet 140162, MedGen C0027672, MeSH D009386, MONDO:0015356.

Submission:

Ambry Genetics
Classification: Uncertain significance for Hereditary cancer-predisposing syndrome. Last evaluated: 2021-03-08. Review status: criteria provided, single submitter. Criteria: Ambry Variant Classification Scheme 2023. Collection method: clinical testing. Allele origin: germline.
Comment: The p.V1880G variant (also known as c.5639T>G), located in coding exon 26 of the DICER1 gene, results from a T to G substitution at nucleotide position 5639. The valine at codon 1880 is replaced by glycine, an amino acid with dissimilar properties. This amino acid position is highly conserved in available vertebrate species. In addition, this alteration is predicted to be tolerated by in silico analysis. Since supporting evidence is limited at this time, the clinical significance of this alteration remains unclear.